The following is an entry in ClinVar:

ClinVar aggregate classification (germline): Uncertain significance (1 of 4 stars; one submission).

Conditions:
Noonan syndrome 8 (NS8). Identifiers: Orphanet 648, MedGen C3809233, MONDO:0014143, OMIM 615355.

gnomAD v4.1: 3 of 1,614,156 alleles (0.00019%); highest among the groups gnomAD compares: Middle Eastern, 0.016%; no homozygotes.

Submission:

Labcorp Genetics (formerly Invitae), Labcorp
Classification: Uncertain significance for Noonan syndrome 8. Last evaluated: 2023-07-17. Review status: criteria provided, single submitter. Criteria: Invitae Variant Classification Sherloc (09022015). Collection method: clinical testing. Allele origin: germline.
Comment: This sequence change replaces leucine, which is neutral and non-polar, with glutamine, which is neutral and polar, at codon 191 of the RIT1 protein (p.Leu191Gln). This variant is not present in population databases (gnomAD no frequency). ClinVar contains an entry for this variant (Variation ID: 2128336). This variant has not been reported in the literature in individuals affected with RIT1-related conditions. In summary, the available evidence is currently insufficient to determine the role of this variant in disease. Therefore, it has been classified as a Variant of Uncertain Significance. Advanced modeling of protein sequence and biophysical properties (such as structural, functional, and spatial information, amino acid conservation, physicochemical variation, residue mobility, and thermodynamic stability) performed at Invitae indicates that this missense variant is not expected to disrupt RIT1 protein function.

NM_006912.6(RIT1):c.572T>A (p.Leu191Gln)

Gene: RIT1 (Ras like without CAAX 1; minus strand). Cytogenetic location: 1q22.
Variant type: single nucleotide variant.
Coding change: c.572T>A on transcript NM_006912.6 (MANE Select); coding-DNA position 572, T replaced by A.
Protein change: p.Leu191Gln; replaces leucine 191 with glutamine.
Molecular consequence: missense variant.
Genome position (GRCh38, 1-based): chr1:155,900,476, A>T on the plus strand (T>A on the coding strand, the complement: RIT1 is on the minus strand). VCF-style: chr1-155900476-A-T. GRCh37 (hg19) VCF-style: chr1-155870267-A-T.
Other names: c.464T>A, p.Leu155Gln (NM_001256820.2); c.623T>A, p.Leu208Gln (NM_001256821.2); short protein forms L208Q, L155Q, L191Q.
Identifiers: ClinVar variation 2128336 (VCV002128336.4), dbSNP rs769724664, ClinGen allele CA342801048.